The following is an entry in ClinVar:

ClinVar aggregate classification (germline): Uncertain significance (1 of 4 stars; one submission).

Conditions:
Duchenne muscular dystrophy (DMD). Also called: Duchenne Muscular Dystrophy (DMD); MUSCULAR DYSTROPHY, PSEUDOHYPERTROPHIC PROGRESSIVE, DUCHENNE TYPE. Identifiers: Orphanet 98896, MedGen C0013264, MONDO:0010679, OMIM 310200.

Allele frequency attached by ClinVar (database versions not stated): gnomAD exomes 0.00001.
gnomAD v4.1: 14 of 1,211,323 alleles (0.0012%); highest among the groups gnomAD compares: Non-Finnish European, 0.0013%; no homozygotes.

Submission:

Labcorp Genetics (formerly Invitae), Labcorp
Classification: Uncertain significance for Duchenne muscular dystrophy. Last evaluated: 2025-11-09. Review status: criteria provided, single submitter. Criteria: Invitae Variant Classification Sherloc (09022015). Collection method: clinical testing. Allele origin: germline.
Comment: This sequence change replaces glutamine, which is neutral and polar, with arginine, which is basic and polar, at codon 194 of the DMD protein (p.Gln194Arg). This variant is present in population databases (no rsID available, gnomAD 0.002%). This variant has not been reported in the literature in individuals affected with DMD-related conditions. ClinVar contains an entry for this variant (Variation ID: 1503927). Invitae Evidence Modeling of protein sequence and biophysical properties (such as structural, functional, and spatial information, amino acid conservation, physicochemical variation, residue mobility, and thermodynamic stability) indicates that this missense variant is not expected to disrupt DMD protein function with a negative predictive value of 95%. In summary, the available evidence is currently insufficient to determine the role of this variant in disease. Therefore, it has been classified as a Variant of Uncertain Significance.

NM_004006.3(DMD):c.581A>G (p.Gln194Arg)

Gene: DMD (dystrophin; minus strand). Cytogenetic location: Xp21.1.
Variant type: single nucleotide variant.
Coding change: c.581A>G on transcript NM_004006.3 (MANE Select); coding-DNA position 581, A replaced by G.
Protein change: p.Gln194Arg; replaces glutamine 194 with arginine.
Molecular consequence: missense variant.
Genome position (GRCh38, 1-based): chrX:32,809,561, T>C on the plus strand (A>G on the coding strand, the complement: DMD is on the minus strand). VCF-style: chrX-32809561-T-C. GRCh37 (hg19) VCF-style: chrX-32827678-T-C.
Other names: c.557A>G, p.Gln186Arg (NM_000109.4); c.569A>G, p.Gln190Arg (NM_004009.3); c.212A>G, p.Gln71Arg (NM_004010.3); short protein forms Q186R, Q194R, Q190R, Q71R.
Identifiers: ClinVar variation 1503927 (VCV001503927.5), dbSNP rs1458091604, ClinGen allele CA412673897.